The following is an entry in ClinVar:

NM_013432.5(TONSL):c.1199G>A (p.Arg400His)

Gene: TONSL (tonsoku like, DNA repair protein; minus strand). Cytogenetic location: 8q24.3.
Variant type: single nucleotide variant.
Coding change: c.1199G>A on transcript NM_013432.5 (MANE Select); coding-DNA position 1199, G replaced by A.
Protein change: p.Arg400His; replaces arginine 400 with histidine.
Molecular consequence: missense variant.
Genome position (GRCh38, 1-based): chr8:144,440,442, C>T on the plus strand (G>A on the coding strand, the complement: TONSL is on the minus strand). VCF-style: chr8-144440442-C-T. GRCh37 (hg19) VCF-style: chr8-145665825-C-T.
Other names: c.1199G>A (NM_013432.4); short protein forms R400H.
Identifiers: ClinVar variation 1442445 (VCV001442445.8), dbSNP rs200649700, ClinGen allele CA4943335.

ClinVar aggregate classification (germline): Uncertain significance. Review status: criteria provided, multiple submitters, no conflicts (2 of 4 stars). 2 submissions from 2 submitters: Uncertain significance (2). Last evaluated 2025-08-08.

Conditions:
Inborn genetic diseases. Identifiers: MedGen C0950123, MeSH D030342.

Allele frequency attached by ClinVar (database versions not stated): ExAC 0.00004; TOPMed 0.00009; gnomAD exomes 0.00010; gnomAD 0.00012 and 0.00013.
gnomAD v4.1: 262 of 1,607,506 alleles (0.016%); highest among the groups gnomAD compares: African/African-American, 0.021%; no homozygotes.

Submissions (2):

Ambry Genetics
Classification: Uncertain significance for Inborn genetic diseases. Last evaluated: 2025-08-08. Review status: criteria provided, single submitter. Criteria: Ambry Variant Classification Scheme 2023. Collection method: clinical testing. Allele origin: germline.

Labcorp Genetics (formerly Invitae), Labcorp
Classification: Uncertain significance. Last evaluated: 2024-09-15. Review status: criteria provided, single submitter. Criteria: Invitae Variant Classification Sherloc (09022015). Collection method: clinical testing. Allele origin: germline.
Comment: This sequence change replaces arginine, which is basic and polar, with histidine, which is basic and polar, at codon 400 of the TONSL protein (p.Arg400His). This variant is present in population databases (rs200649700, gnomAD 0.03%). This variant has not been reported in the literature in individuals affected with TONSL-related conditions. ClinVar contains an entry for this variant (Variation ID: 1442445). Invitae Evidence Modeling of protein sequence and biophysical properties (such as structural, functional, and spatial information, amino acid conservation, physicochemical variation, residue mobility, and thermodynamic stability) indicates that this missense variant is expected to disrupt TONSL protein function with a positive predictive value of 80%. In summary, the available evidence is currently insufficient to determine the role of this variant in disease. Therefore, it has been classified as a Variant of Uncertain Significance.